The following is an entry in ClinVar:

NM_199420.4(POLQ):c.3649C>A (p.Gln1217Lys)

Gene: POLQ (DNA polymerase theta; minus strand). Cytogenetic location: 3q13.33.
Variant type: single nucleotide variant.
Coding change: c.3649C>A on transcript NM_199420.4 (MANE Select); coding-DNA position 3649, C replaced by A.
Protein change: p.Gln1217Lys; replaces glutamine 1217 with lysine.
Molecular consequence: missense variant.
Genome position (GRCh38, 1-based): chr3:121,489,282, G>T on the plus strand (C>A on the coding strand, the complement: POLQ is on the minus strand). VCF-style: chr3-121489282-G-T. GRCh37 (hg19) VCF-style: chr3-121208129-G-T.
Other names: short protein forms Q1217K.
Identifiers: ClinVar variation 1733571 (VCV001733571.2), dbSNP rs2546787127, ClinGen allele CA354098387.

ClinVar aggregate classification (germline): Uncertain significance (1 of 4 stars; one submission).

Allele frequency attached by ClinVar (database versions not stated): gnomAD exomes below 0.00001.
gnomAD v4.1: 5 of 1,613,688 alleles (0.00031%); highest among the groups gnomAD compares: South Asian, 0.0033%; no homozygotes.

Submission:

Ambry Genetics
Classification: Uncertain significance. Last evaluated: 2022-01-31. Review status: criteria provided, single submitter. Criteria: Ambry Variant Classification Scheme 2023. Collection method: clinical testing. Allele origin: germline.
Comment: The p.Q1217K variant (also known as c.3649C>A), located in coding exon 16 of the POLQ gene, results from a C to A substitution at nucleotide position 3649. The glutamine at codon 1217 is replaced by lysine, an amino acid with similar properties. This amino acid position is conserved. In addition, this alteration is predicted to be tolerated by in silico analysis. Since supporting evidence is limited at this time, the clinical significance of this alteration remains unclear.